The following is an entry in ClinVar:

ClinVar aggregate classification (germline): Uncertain significance. Review status: criteria provided, multiple submitters, no conflicts (2 of 4 stars). 2 submissions from 2 submitters: Uncertain significance (2). Last evaluated 2024-03-07.

Conditions:
Colorectal cancer, hereditary nonpolyposis, type 7. Identifiers: Orphanet 144, MedGen C1858380, MONDO:0013725, OMIM 614385.

Submissions (2):

Ambry Genetics
Classification: Uncertain significance. Last evaluated: 2024-03-07. Review status: criteria provided, single submitter. Criteria: Ambry Variant Classification Scheme 2023. Collection method: clinical testing. Allele origin: germline.
Comment: The p.P515L variant (also known as c.1544C>T), located in coding exon 1 of the MLH3 gene, results from a C to T substitution at nucleotide position 1544. The proline at codon 515 is replaced by leucine, an amino acid with similar properties. This amino acid position is conserved. In addition, this alteration is predicted to be tolerated by in silico analysis. Based on the available evidence, the clinical significance of this alteration remains unclear.

Labcorp Genetics (formerly Invitae), Labcorp
Classification: Uncertain significance for Colorectal cancer, hereditary nonpolyposis, type 7. Last evaluated: 2022-08-30. Review status: criteria provided, single submitter. Criteria: Invitae Variant Classification Sherloc (09022015). Collection method: clinical testing. Allele origin: germline.
Comment: In summary, the available evidence is currently insufficient to determine the role of this variant in disease. Therefore, it has been classified as a Variant of Uncertain Significance. Algorithms developed to predict the effect of missense changes on protein structure and function output the following: SIFT: "Tolerated"; PolyPhen-2: "Benign"; Align-GVGD: "Class C0". The leucine amino acid residue is found in multiple mammalian species, which suggests that this missense change does not adversely affect protein function. This sequence change replaces proline, which is neutral and non-polar, with leucine, which is neutral and non-polar, at codon 515 of the MLH3 protein (p.Pro515Leu). This variant is not present in population databases (gnomAD no frequency). This variant has not been reported in the literature in individuals affected with MLH3-related conditions.

NM_001040108.2(MLH3):c.1544C>T (p.Pro515Leu)

Gene: MLH3 (mutL homolog 3; minus strand). Cytogenetic location: 14q24.3.
Variant type: single nucleotide variant.
Coding change: c.1544C>T on transcript NM_001040108.2 (MANE Select); coding-DNA position 1544, C replaced by T.
Protein change: p.Pro515Leu; replaces proline 515 with leucine.
Molecular consequence: missense variant.
Genome position (GRCh38, 1-based): chr14:75,048,112, G>A on the plus strand (C>T on the coding strand, the complement: MLH3 is on the minus strand). VCF-style: chr14-75048112-G-A. GRCh37 (hg19) VCF-style: chr14-75514815-G-A.
Other names: c.1544C>T, p.Pro515Leu (NM_014381.3); short protein forms P515L.
Identifiers: ClinVar variation 2200625 (VCV002200625.5), dbSNP rs1892390388, ClinGen allele CA390445135.